The following is an entry in ClinVar:

NM_024422.6(DSC2):c.394C>T (p.Arg132Cys)

Gene: DSC2 (desmocollin 2; minus strand). Cytogenetic location: 18q12.1.
Variant type: single nucleotide variant.
Coding change: c.394C>T on transcript NM_024422.6 (MANE Select); coding-DNA position 394, C replaced by T.
Protein change: p.Arg132Cys; replaces arginine 132 with cysteine.
Molecular consequence: missense variant.
Genome position (GRCh38, 1-based): chr18:31,091,108, G>A on the plus strand (C>T on the coding strand, the complement: DSC2 is on the minus strand). VCF-style: chr18-31091108-G-A. GRCh37 (hg19) VCF-style: chr18-28671071-G-A.
Other names: c.394C>T, p.Arg132Cys (NM_004949.5); short protein forms R132C.
Identifiers: ClinVar variation 178972 (VCV000178972.43), dbSNP rs727504578, ClinGen allele CA022829.

ClinVar aggregate classification (germline): Uncertain significance. Review status: criteria provided, multiple submitters, no conflicts (2 of 4 stars). 9 submissions from 9 submitters: Uncertain significance (7). 2 of the submissions do not count toward it. Last evaluated 2026-01-13.

Conditions:
Cardiovascular phenotype. Identifiers: MedGen CN230736.
Familial isolated arrhythmogenic right ventricular dysplasia. Identifiers: Orphanet 217656, MedGen C4274968, MONDO:0016342.
Sudden unexplained death. Identifiers: MedGen C0520806.
Cardiomyopathy (CMYO). Also called: Cardiomyopathies. Identifiers: Orphanet 167848, MedGen C0878544, MONDO:0004994, HP:0001638. Inheritance: Various modes of inheritance.
Arrhythmogenic right ventricular dysplasia 11. Also called: Arrhythmogenic right ventricular dysplasia 11 with mild palmoplantar keratoderma and woolly hair; Arrhythmogenic Right Ventricular Dysplasia/Cardiomyopathy11; ARRHYTHMOGENIC RIGHT VENTRICULAR DYSPLASIA, FAMILIAL, 11. Identifiers: MedGen C1864850, MONDO:0012506, OMIM 610476.
Primary dilated cardiomyopathy (DCM). Also called: Dilated Cardiomyopathy. Identifiers: Orphanet 217604, MedGen C0007193, MeSH D002311, MONDO:0005021, HP:0001644. Inheritance: Various modes of inheritance.

Allele frequency attached by ClinVar (database versions not stated): TOPMed below 0.00001; gnomAD exomes 0.00004 and 0.00002; gnomAD 0.00002; ExAC 0.00003.
gnomAD v4.1: 36 of 1,613,808 alleles (0.0022%); highest among the groups gnomAD compares: East Asian, 0.0089%; no homozygotes.

Submissions (9):

Labcorp Genetics (formerly Invitae), Labcorp
Classification: Uncertain significance for Arrhythmogenic right ventricular dysplasia 11. Last evaluated: 2026-01-13. Review status: criteria provided, single submitter. Criteria: Invitae Variant Classification Sherloc (09022015). Collection method: clinical testing. Allele origin: germline.
Comment: This sequence change replaces arginine, which is basic and polar, with cysteine, which is neutral and slightly polar, at codon 132 of the DSC2 protein (p.Arg132Cys). This variant is present in population databases (rs727504578, gnomAD 0.02%). This missense change has been observed in individual(s) with arrhythmogenic right ventricular cardiomyopathy (PMID: 20400443, 23514727, 33784018). ClinVar contains an entry for this variant (Variation ID: 178972). Invitae Evidence Modeling of protein sequence and biophysical properties (such as structural, functional, and spatial information, amino acid conservation, physicochemical variation, residue mobility, and thermodynamic stability) indicates that this missense variant is expected to disrupt DSC2 protein function with a positive predictive value of 80%. Experimental studies have shown that this missense change affects DSC2 function (PMID: 33784018). In summary, the available evidence is currently insufficient to determine the role of this variant in disease. Therefore, it has been classified as a Variant of Uncertain Significance.

Color Diagnostics, LLC DBA Color Health
Classification: Uncertain significance for Cardiomyopathy. Last evaluated: 2025-06-04. Review status: criteria provided, single submitter. Criteria: ACMG Guidelines, 2015. Collection method: clinical testing. Allele origin: germline.
Comment: This missense variant replaces arginine with cysteine at codon 132 of the DSC2 protein. Computational prediction is inconclusive regarding the impact of this variant on protein structure and function. A functional study has shown that the mutant protein is unable to rescue the cardiovascular phenotypes in DSC2 knockdown zebrafish model (PMID: 33784018). Cardiomyocytes derived from a carrier individual show reduced expression levels of DSC2 mRNA and protein (PMID: 33784018, 35297182). This variant has been reported in an individual affected with cardiac arrest (ClinVar SCV001245073.1) and in four unrelated individuals affected with arrhythmogenic cardiomyopathy (PMID: 20400443, 23514727, 29178656, 33784018, ClinVar SCV000205460.4). Two of these probands also carried a truncating variant in DSC2 or PKP2 genes (PMID: 20400443, ClinVar SCV001245073.1). This variant has been identified in 10/282564 chromosomes in the general population by the Genome Aggregation Database (gnomAD). The available evidence is insufficient to determine the role of this variant in disease conclusively. Therefore, this variant is classified as a Variant of Uncertain Significance.

All of Us Research Program, National Institutes of Health
Classification: Uncertain significance for Familial isolated arrhythmogenic right ventricular dysplasia. Last evaluated: 2023-12-18. Review status: criteria provided, single submitter. Criteria: ACMG Guidelines, 2015. Collection method: clinical testing. Allele origin: germline. Inheritance: Autosomal dominant inheritance. Observed: 2 variant alleles, 2 heterozygotes.
Comment: This missense variant replaces arginine with cysteine at codon 132 of the DSC2 protein. Computational prediction is inconclusive regarding the impact of this variant on protein structure and function (internally defined REVEL score threshold 0.5 < inconclusive < 0.7, PMID: 27666373). A functional study has shown that, unlike wildtype, this variant can't rescue the cardiovascular phenotypes in DSC2 knockdown zebrafish model (PMID: 33784018). This variant has been reported in an individual affected with cardiac arrest (ClinVar SCV001245073.1) and in four unrelated individuals affected with arrhythmogenic cardiomyopathy (PMID: 20400443, 23514727, 29178656, 33784018, ClinVar SCV000205460.4). Two of these probands also carried a truncating variant in DSC2 or PKP2 genes (PMID: 20400443, ClinVar SCV001245073.1). Studies with heart samples and cardiomyocytes derived from one of the probands revealed altered electric activity and a marked reduction of DSC2 in both mRNA and protein levels (PMID: 33784018, 35297182). This variant has been identified in 10/282564 chromosomes in the general population by the Genome Aggregation Database (gnomAD). The available evidence is insufficient to determine the role of this variant in disease conclusively. Therefore, this variant is classified as a Variant of Uncertain Significance.

This study involves interpretation of variants in research participants for the purpose of population health screening. Participant phenotype was not available at the time of variant classification. Additional details can be found in publication PMID: 35346344, PMCID: PMC8962531

Clinical Center for Gene Diagnosis and Therapy, Department of Cardiovascular Surgery, The Second Xiangya Hospital of Central South University
Classification: Uncertain significance for Primary dilated cardiomyopathy. Last evaluated: 2023-06-01. Review status: criteria provided, single submitter. Criteria: ACMG Guidelines, 2015. Collection method: clinical testing. Allele origin: germline. Affected: yes.

Ambry Genetics
Classification: Uncertain significance for Cardiovascular phenotype. Last evaluated: 2019-05-01. Review status: criteria provided, single submitter. Criteria: Ambry Variant Classification Scheme 2023. Collection method: clinical testing. Allele origin: germline.
Comment: The p.R132C variant (also known as c.394C>T), located in coding exon 4 of the DSC2 gene, results from a C to T substitution at nucleotide position 394. The arginine at codon 132 is replaced by cysteine, an amino acid with highly dissimilar properties. This variant has been reported in individuals with arrhythmogenic right ventricular cardiomyopathy (ARVC), who also had additional cardiac-related variants detected (Fressart V et al. Europace, 2010 Jun;12:861-8; Ohno S et al. Circ. J., 2013 Mar;77:1534-42). This alteration has also been seen in an exome cohort, but detailed cardiovascular history was not provided (Haggerty CM et al. Genet. Med., 2017 11;19:1245-1252). This amino acid position is highly conserved in available vertebrate species. In addition, this alteration is predicted to be deleterious by in silico analysis. Since supporting evidence is limited at this time, the clinical significance of this alteration remains unclear.

Laboratory for Molecular Medicine, Mass General Brigham Personalized Medicine
Classification: Uncertain significance. Last evaluated: 2018-10-24. Review status: criteria provided, single submitter. Criteria: LMM Criteria. Collection method: clinical testing. Allele origin: germline. Observed: 5 variant alleles.
Comment: The p.Arg132Cys variant in DSC2 has been identified in 3 individuals with ARVC, one of whom carried a likely pathogenic variant in PKP2 and another of whom also carried a frameshift variant in DSC2 (Fressart 2010, Ohno 2013, Wada 2017, LMM data). This variant has been identified in 10/282564 chromosomes by the gnomAD. Computational prediction tools and conservati on analysis suggest that the p.Arg132Cys variant may impact the protein, though this information is not predictive enough to determine pathogenicity. In summary , the clinical significance of the p.Arg132Cys variant is uncertain. ACMG/AMP Cr iteria applied: PP3.

Agnes Ginges Centre for Molecular Cardiology, Centenary Institute
Classification: Uncertain significance for sudden unexplained death. Last evaluated: 2018-07-26. Review status: criteria provided, single submitter. Criteria: ACMG Guidelines, 2015. Collection method: research. Allele origin: germline. Inheritance: Autosomal dominant inheritance. Affected: yes.
Comment: DSC2 Arg132Cys has been reported previously in 2 ARVC patients, however both patients also had other DSC2 variants (Fressart V et al., 2010; Ohno S, et al., 2013). The variant is present at an elevated frequency in the Genome Aggregation Database (MAF= 0.000036). In silico tools SIFT, MutationTaster, CADD and PolyPhen-2 all predict the variant to be deleterious. In summary, the variant has been reported in at least 3 probands with multiple variants, it is present in population databases but is still considered rare and in silico tools predict it to be deleterious, therefore based on this conflicting information we classify DSC2 Arg132Cys as a variant of 'uncertain significance'.

Diagnostic Laboratory, Department of Genetics, University Medical Center Groningen
Classification: Uncertain significance. Review status: no assertion criteria provided. Collection method: clinical testing. Allele origin: germline. Affected: yes. Study: VKGL Data-share Consensus. Not counted in ClinVar's aggregate classification.

Joint Genome Diagnostic Labs from Nijmegen and Maastricht, Radboudumc and MUMC+
Classification: Uncertain significance. Review status: no assertion criteria provided. Collection method: clinical testing. Allele origin: germline. Affected: yes. Study: VKGL Data-share Consensus. Not counted in ClinVar's aggregate classification.

Literature cited by the submitters: PubMed 20400443 (cited by 6 submitters); PubMed 23514727 (cited by 6 submitters); PubMed 33784018 (cited by 3 submitters); PubMed 29178656 (cited by 4 submitters); PubMed 35297182 (cited by Color Diagnostics, LLC DBA Color Health and All of Us Research Program, National Institutes of Health); PubMed 28471438 (cited by 3 submitters); PubMed 23911551 (cited by Laboratory for Molecular Medicine, Mass General Brigham Personalized Medicine).